The following is an entry in ClinVar:

ClinVar aggregate classification (germline): Likely benign. Review status: criteria provided, multiple submitters, no conflicts (2 of 4 stars). 2 submissions from 2 submitters: Likely benign (2). Last evaluated 2026-06-30.

Conditions:
CFAP410-related disorder. Also called: CFAP410-related condition.

Allele frequency attached by ClinVar (database versions not stated): TOPMed 0.00003; ESP Exome Variant Server 0.00015.
gnomAD v4.1: 23 of 1,585,206 alleles (0.0015%); highest among the groups gnomAD compares: Admixed American, 0.007%; no homozygotes.

Submissions (2):

PreventionGenetics, part of Exact Sciences
Classification: Likely benign for CFAP410-related condition. Last evaluated: 2026-06-30. Review status: criteria provided, single submitter. Criteria: ACMG Guidelines, 2015. Collection method: clinical testing. Allele origin: germline.
Comment: This variant is classified as likely benign based on ACMG/AMP sequence variant interpretation guidelines (Richards et al. 2015 PMID: 25741868, with internal and published modifications).

Labcorp Genetics (formerly Invitae), Labcorp
Classification: Likely benign. Last evaluated: 2023-04-14. Review status: criteria provided, single submitter. Criteria: Invitae Variant Classification Sherloc (09022015). Collection method: clinical testing. Allele origin: germline.

NM_004928.3(CFAP410):c.143+7C>T

Gene: CFAP410 (cilia and flagella associated protein 410; minus strand). Cytogenetic location: 21q22.3.
Variant type: single nucleotide variant.
Coding change: c.143+7C>T on transcript NM_004928.3 (MANE Select); 7 bases into the intron after coding-DNA position 143, C replaced by T.
Molecular consequence: intron variant.
Genome position (GRCh38, 1-based): chr21:44,335,751, G>A on the plus strand (C>T on the coding strand, the complement: CFAP410 is on the minus strand). VCF-style: chr21-44335751-G-A. GRCh37 (hg19) VCF-style: chr21-45755634-G-A.
Other names: c.143+7C>T (NM_004928.2, NM_001271440.2, NM_001271441.2); c.29+7C>T (NM_001271442.1).
Identifiers: ClinVar variation 1939258 (VCV001939258.6), dbSNP rs375698855, ClinGen allele CA10053825.
Genomic context (GRCh38, chr21:44,335,751, plus strand): 5'-GGAGGGACGTGAGGCTCTGCCCCGGCTTCCAGGCCCCAGGCTGAGCATGACAGCAGGAGC[G>A]AGGTACCTGAGCGTGATCACCTCCAGGCTGGGCATCTCCTGGCAAATGGAGATCTAGGAG-3'